The following is an entry in ClinVar:

NM_000059.4(BRCA2):c.9286G>T (p.Glu3096Ter)

Gene: BRCA2 (BRCA2 DNA repair associated; plus strand). Cytogenetic location: 13q13.1.
Variant type: single nucleotide variant.
Coding change: c.9286G>T on transcript NM_000059.4 (MANE Select); coding-DNA position 9286, G replaced by T.
Protein change: p.Glu3096Ter; replaces glutamic acid 3096 with a stop codon.
Molecular consequence: nonsense.
Genome position (GRCh38, 1-based): chr13:32,394,718, G>T. VCF-style: chr13-32394718-G-T. GRCh37 (hg19) VCF-style: chr13-32968855-G-T.
Other names: short protein forms E3096*.
Identifiers: ClinVar variation 52806 (VCV000052806.17), dbSNP rs80359199, ClinGen allele CA026089.

ClinVar aggregate classification (germline): Pathogenic. Review status: reviewed by expert panel (3 of 4 stars). 6 submissions from 6 submitters: Pathogenic (1). 5 of the submissions do not count toward it. Last evaluated 2016-09-08.

Conditions:
Hereditary cancer-predisposing syndrome. Also called: Tumor predisposition; Neoplastic Syndromes, Hereditary; Hereditary Cancer Syndrome; Hereditary neoplastic syndrome. Identifiers: Orphanet 140162, MedGen C0027672, MeSH D009386, MONDO:0015356.
Hereditary breast ovarian cancer syndrome. Also called: Hereditary breast and ovarian cancer syndrome (HBOC); Hereditary breast and ovarian cancer syndrome; Hereditary breast and ovarian cancer; Hereditary breast and/or ovarian cancer syndrome; Breast and ovarian cancer; BRCA1- and BRCA2-Associated Hereditary Breast and Ovarian Cancer. Identifiers: Orphanet 145, MedGen C0677776, MeSH D061325, MONDO:0003582. Disease mechanism: loss of function.
Breast-ovarian cancer, familial, susceptibility to, 2 (BROVCA2). Also called: BRCA2 Hereditary Breast and Ovarian Cancer. Identifiers: Orphanet 145, MedGen C2675520, MONDO:0012933, OMIM 612555. Disease mechanism: loss of function.
Breast-ovarian cancer, familial, susceptibility to, 1 (BROVCA1). Also called: OVARIAN CANCER, SUSCEPTIBILITY TO; BRCA1 Hereditary Breast and Ovarian Cancer. Identifiers: Orphanet 145, MedGen C2676676, MONDO:0011450, OMIM 604370. Disease mechanism: loss of function.

Submissions (6):

Evidence-based Network for the Interpretation of Germline Mutant Alleles (ENIGMA)
Classification: Pathogenic for Breast-ovarian cancer, familial, susceptibility to, 2. Last evaluated: 2016-09-08. Review status: reviewed by expert panel. Criteria: ENIGMA BRCA1/2 Classification Criteria (2015). Collection method: curation. Allele origin: germline.
Comment: Variant allele predicted to encode a truncated non-functional protein.

Labcorp Genetics (formerly Invitae), Labcorp
Classification: Pathogenic for Hereditary breast ovarian cancer syndrome. Last evaluated: 2022-10-16. Review status: criteria provided, single submitter. Criteria: Invitae Variant Classification Sherloc (09022015). Collection method: clinical testing. Allele origin: germline. Not counted in ClinVar's aggregate classification.
Comment: For these reasons, this variant has been classified as Pathogenic. ClinVar contains an entry for this variant (Variation ID: 52806). This variant is also known as 9514G>T. This premature translational stop signal has been observed in individual(s) with breast and/or ovarian cancer (PMID: 11802208, 17899372, 22923021, 29446198, 30702160). This variant is not present in population databases (gnomAD no frequency). This sequence change creates a premature translational stop signal (p.Glu3096*) in the BRCA2 gene. It is expected to result in an absent or disrupted protein product. Loss-of-function variants in BRCA2 are known to be pathogenic (PMID: 20104584).

Department of Molecular Diagnostics, Institute of Oncology Ljubljana
Classification: Pathogenic for Breast-ovarian cancer, familial, susceptibility to, 1. Last evaluated: 2020-04-02. Review status: criteria provided, single submitter. Criteria: ACMG Guidelines, 2015. Collection method: clinical testing. Allele origin: germline. Affected: yes. Not counted in ClinVar's aggregate classification.

Ambry Genetics
Classification: Pathogenic for Hereditary cancer-predisposing syndrome. Last evaluated: 2015-11-25. Review status: criteria provided, single submitter. Criteria: Ambry Variant Classification Scheme 2023. Collection method: clinical testing. Allele origin: germline. Not counted in ClinVar's aggregate classification.
Comment: The p.E3096* pathogenic mutation (also known as c.9286G>T), located in coding exon 24 of the BRCA2 gene, results from a G to T substitution at nucleotide position 9286. This changes the amino acid from a glutamic acid to a stop codon within coding exon 24. This mutation (designated as E 3096 stop) was detected in a Spanish family with multiple breast and ovarian cancers (de la Hoya M et al, Int. J. Cancer 2002 Feb; 97(4):466-71). In addition to this clinical data, since premature stop codons are typically deleterious in nature, this alteration is interpreted as a disease-causing mutation (ACMG Recommendations for Standards for Interpretation and Reporting of Sequence Variations. Revision 2007. Genet Med. 2008;10:294).

Consortium of Investigators of Modifiers of BRCA1/2 (CIMBA), c/o University of Cambridge
Classification: Pathogenic for Breast-ovarian cancer, familial, susceptibility to, 2. Last evaluated: 2015-10-02. Review status: criteria provided, single submitter. Criteria: CIMBA Mutation Classification guidelines May 2016. Collection method: clinical testing. Allele origin: germline. Not counted in ClinVar's aggregate classification.

Breast Cancer Information Core (BIC) (BRCA2)
Classification: Pathogenic for Breast-ovarian cancer, familial 2. Review status: no assertion criteria provided. Collection method: clinical testing. Allele origin: germline. Affected: yes. Observed: 1 variant allele. Not counted in ClinVar's aggregate classification.

Literature cited by the submitters: PubMed 11802208 (cited by Labcorp Genetics (formerly Invitae), Labcorp and Ambry Genetics); PubMed 17899372 (cited by Labcorp Genetics (formerly Invitae), Labcorp); PubMed 22923021 (cited by Labcorp Genetics (formerly Invitae), Labcorp); PubMed 29446198 (cited by Labcorp Genetics (formerly Invitae), Labcorp); PubMed 30702160 (cited by Labcorp Genetics (formerly Invitae), Labcorp); PubMed 20104584 (cited by Labcorp Genetics (formerly Invitae), Labcorp).